The following is an entry in ClinVar:

ClinVar aggregate classification (germline): Likely benign. Review status: criteria provided, multiple submitters, no conflicts (2 of 4 stars). 3 submissions from 3 submitters: Likely benign (3). Last evaluated 2025-10-22.

Conditions:
ETV6-related disorder. Also called: ETV6-related condition.
Inborn genetic diseases. Identifiers: MedGen C0950123, MeSH D030342.

Allele frequency attached by ClinVar (database versions not stated): 1000 Genomes Project 30x 0.00031.
gnomAD v4.1: 59 of 1,613,816 alleles (0.0037%); highest among the groups gnomAD compares: Admixed American, 0.0083%; no homozygotes.

Submissions (3):

Labcorp Genetics (formerly Invitae), Labcorp
Classification: Likely benign. Last evaluated: 2025-10-22. Review status: criteria provided, single submitter. Criteria: Invitae Variant Classification Sherloc (09022015). Collection method: clinical testing. Allele origin: germline.

PreventionGenetics, part of Exact Sciences
Classification: Likely benign for ETV6-related condition. Last evaluated: 2025-06-17. Review status: criteria provided, single submitter. Criteria: ACMG Guidelines, 2015. Collection method: clinical testing. Allele origin: germline.
Comment: This variant is classified as likely benign based on ACMG/AMP sequence variant interpretation guidelines (Richards et al. 2015 PMID: 25741868, with internal and published modifications).

Ambry Genetics
Classification: Likely benign for Inborn genetic diseases. Last evaluated: 2024-10-05. Review status: criteria provided, single submitter. Criteria: Ambry Variant Classification Scheme 2023. Collection method: clinical testing. Allele origin: germline.

NM_001987.5(ETV6):c.93G>T (p.Thr31=)

Gene: ETV6 (ETS variant transcription factor 6; plus strand). Cytogenetic location: 12p13.2.
Variant type: single nucleotide variant.
Coding change: c.93G>T on transcript NM_001987.5 (MANE Select); coding-DNA position 93, G replaced by T.
Protein change: p.Thr31=; no amino-acid change (threonine 31 retained).
Molecular consequence: synonymous variant. On other transcripts: intron variant (1).
Genome position (GRCh38, 1-based): chr12:11,752,509, G>T. VCF-style: chr12-11752509-G-T. GRCh37 (hg19) VCF-style: chr12-11905443-G-T.
Other names: c.90G>T, p.Thr30= (NM_001413913.1); c.66G>T, p.Thr22= (NM_001413914.1); c.93G>T, p.Thr31= (NM_001413916.1, NM_001413917.1, NM_001413918.1); c.-101-86631G>T (NM_001413915.1).
Identifiers: ClinVar variation 3015899 (VCV003015899.5), dbSNP rs201801905, ClinGen allele CA6454112.